The following is an entry in ClinVar:

ClinVar aggregate classification (germline): Uncertain significance. Review status: criteria provided, multiple submitters, no conflicts (2 of 4 stars). 2 submissions from 2 submitters: Uncertain significance (2). Last evaluated 2025-05-30.

Conditions:
Shprintzen-Goldberg syndrome (SGS). Also called: CRANIOSYNOSTOSIS WITH ARACHNODACTYLY AND ABDOMINAL HERNIAS; Marfanoid disorder with craniosynostosis type 1; Marfanoid craniosynostosis syndrome; Shprintzen-Goldberg marfanoid syndrome; SHPRINTZEN-GOLDBERG CRANIOSYNOSTOSIS SYNDROME. Identifiers: Orphanet 2462, MedGen C1321551, MONDO:0008426, OMIM 182212.
Familial thoracic aortic aneurysm and aortic dissection (TAAD). Also called: Thoracic aortic aneurysms and dissections. Identifiers: Orphanet 91387, MedGen C4707243, MONDO:0019625.

Submissions (2):

Ambry Genetics
Classification: Uncertain significance for Familial thoracic aortic aneurysm and aortic dissection. Last evaluated: 2025-05-30. Review status: criteria provided, single submitter. Criteria: Ambry Variant Classification Scheme 2023. Collection method: clinical testing. Allele origin: germline.
Comment: The c.1445_1450delCGGAGG variant (also known as p.A482_E483del) is located in coding exon 4 of the SKI gene. This variant results from an in-frame CGGAGG deletion at nucleotide positions 1445 to 1450. This results in the in-frame deletion of two amino acids at codons 482 and 483. This amino acid region is highly conserved in available vertebrate species. In addition, the in silico prediction for this variant is inconclusive (Choi Y et al. PLoS ONE. 2012; 7(10):e46688). Based on the available evidence, the clinical significance of this variant remains unclear.

Labcorp Genetics (formerly Invitae), Labcorp
Classification: Uncertain significance for Shprintzen-Goldberg syndrome. Last evaluated: 2022-06-08. Review status: criteria provided, single submitter. Criteria: Invitae Variant Classification Sherloc (09022015). Collection method: clinical testing. Allele origin: germline.
Comment: In summary, the available evidence is currently insufficient to determine the role of this variant in disease. Therefore, it has been classified as a Variant of Uncertain Significance. Experimental studies and prediction algorithms are not available or were not evaluated, and the functional significance of this variant is currently unknown. ClinVar contains an entry for this variant (Variation ID: 520744). This variant has not been reported in the literature in individuals affected with SKI-related conditions. This variant is present in population databases (rs762410895, gnomAD 0.004%). This variant, c.1445_1450del, results in the deletion of 2 amino acid(s) of the SKI protein (p.Ala482_Glu483del), but otherwise preserves the integrity of the reading frame.

NM_003036.4(SKI):c.1439CGGAGG[1] (p.Ala482_Glu483del)

Gene: SKI (SKI proto-oncogene; plus strand). Cytogenetic location: 1p36.32.
Variant type: Microsatellite.
Coding change: c.1439CGGAGG[1] on transcript NM_003036.4 (MANE Select); one copy of the 6-base unit CGGAGG starting at c.1439; the reference has two copies in a row; one copy, 6 bases deleted; also written c.1445_1450del.
Protein change: p.Ala482_Glu483del.
Molecular consequence: inframe deletion.
Genome position (GRCh38, 1-based): chr1:2,304,073-2,304,078, CGGAGG deleted; deleting any 6 consecutive bases within chr1:2,304,067-2,304,078 gives the same sequence; the position shown is the placement nearest the transcript's 3' end. VCF-style (leftmost placement, unchanged base first): chr1-2304066-TCGGAGG-T. GRCh37 (hg19) VCF-style: chr1-2235505-TCGGAGG-T.
Other names: c.1445_1450del (NM_003036.3).
Identifiers: ClinVar variation 520744 (VCV000520744.15), dbSNP rs762410895, ClinGen allele CA536712.